The following is an entry in ClinVar:

ClinVar aggregate classification (germline): Uncertain significance (1 of 4 stars; one submission).

Conditions:
Carnitine palmitoyltransferase II deficiency. Also called: Carnitine Palmitoyltransferase 2 Deficiency. Identifiers: Orphanet 157, MedGen C0342790, MONDO:0015515.

Submission:

Labcorp Genetics (formerly Invitae), Labcorp
Classification: Uncertain significance for Carnitine palmitoyltransferase II deficiency. Last evaluated: 2020-06-17. Review status: criteria provided, single submitter. Criteria: Invitae Variant Classification Sherloc (09022015). Collection method: clinical testing. Allele origin: germline.
Comment: In summary, the available evidence is currently insufficient to determine the role of this variant in disease. Therefore, it has been classified as a Variant of Uncertain Significance. Algorithms developed to predict the effect of missense changes on protein structure and function output the following: SIFT: "Tolerated"; PolyPhen-2: "Benign"; Align-GVGD: "Class C0". The valine amino acid residue is found in multiple mammalian species, suggesting that this missense change does not adversely affect protein function. These predictions have not been confirmed by published functional studies and their clinical significance is uncertain. This variant has not been reported in the literature in individuals with CPT2-related conditions. The frequency data for this variant in the population databases is considered unreliable, as metrics indicate insufficient coverage at this position in the ExAC database. This sequence change replaces alanine with valine at codon 9 of the CPT2 protein (p.Ala9Val). The alanine residue is weakly conserved and there is a small physicochemical difference between alanine and valine.

NM_000098.3(CPT2):c.26C>T (p.Ala9Val)

Genes: CPT2 (carnitine palmitoyltransferase 2; plus strand), LOC129930561 (ATAC-STARR-seq lymphoblastoid silent region 902; plus strand). Cytogenetic location: 1p32.3.
Variant type: single nucleotide variant.
Coding change: c.26C>T on transcript NM_000098.3 (MANE Select); coding-DNA position 26, C replaced by T.
Protein change: p.Ala9Val; replaces alanine 9 with valine.
Molecular consequence: missense variant.
Genome position (GRCh38, 1-based): chr1:53,196,969, C>T. VCF-style: chr1-53196969-C-T. GRCh37 (hg19) VCF-style: chr1-53662641-C-T.
Other names: c.26C>T, p.Ala9Val (NM_001330589.2); short protein forms A9V.
Identifiers: ClinVar variation 1001663 (VCV001001663.9), dbSNP rs1645324918, ClinGen allele CA340388593.